The following is an entry in ClinVar:

ClinVar aggregate classification (germline): Uncertain significance (1 of 4 stars; one submission).

Conditions:
GLS-related disorder. Also called: GLS-related condition.

gnomAD v4.1: 3 of 1,602,318 alleles (0.00019%); highest among the groups gnomAD compares: Non-Finnish European, 0.00026%; no homozygotes.

Submission:

PreventionGenetics, part of Exact Sciences
Classification: Uncertain significance for GLS-related condition. Last evaluated: 2025-06-24. Review status: criteria provided, single submitter. Criteria: ACMG Guidelines, 2015. Collection method: clinical testing. Allele origin: germline.
Comment: The GLS c.911A>G variant is predicted to result in the amino acid substitution p.Tyr304Cys. To our knowledge, this variant has not been reported in the literature or in gnomAD, indicating this variant is rare. At this time, the clinical significance of this variant is uncertain due to the absence of conclusive functional and genetic evidence.

NM_014905.5(GLS):c.911A>G (p.Tyr304Cys)

Gene: GLS (glutaminase; plus strand). Cytogenetic location: 2q32.2.
Variant type: single nucleotide variant.
Coding change: c.911A>G on transcript NM_014905.5 (MANE Select); coding-DNA position 911, A replaced by G.
Protein change: p.Tyr304Cys; replaces tyrosine 304 with cysteine.
Molecular consequence: missense variant.
Genome position (GRCh38, 1-based): chr2:190,905,099, A>G. VCF-style: chr2-190905099-A-G. GRCh37 (hg19) VCF-style: chr2-191769825-A-G.
Other names: c.911A>G, p.Tyr304Cys (NM_001256310.2, NM_001437282.1, NM_001437283.1); short protein forms Y304C.
Identifiers: ClinVar variation 4978299 (VCV004978299.1).